The following is an entry in ClinVar:

ClinVar aggregate classification (germline): Likely benign (0 of 4 stars; one submission).

Conditions:
MASP1-related disorder. Also called: MASP1-related condition.

gnomAD v4.1: 30 of 1,614,024 alleles (0.0019%); highest among the groups gnomAD compares: South Asian, 0.023%; no homozygotes.

Submission:

PreventionGenetics, part of Exact Sciences
Classification: Likely benign for MASP1-related condition. Last evaluated: 2019-11-16. Review status: no assertion criteria provided. Collection method: clinical testing. Allele origin: germline.
Comment: This variant is classified as likely benign based on ACMG/AMP sequence variant interpretation guidelines (Richards et al. 2015 PMID: 25741868, with internal and published modifications).

NM_139125.4(MASP1):c.1815C>T (p.Ile605=)

Gene: MASP1 (MBL associated serine protease 1; minus strand). Cytogenetic location: 3q27.3.
Variant type: single nucleotide variant.
Coding change: c.1815C>T on transcript NM_139125.4 (MANE Select); coding-DNA position 1815, C replaced by T.
Protein change: p.Ile605=; no amino-acid change (isoleucine 605 retained).
Molecular consequence: synonymous variant. On other transcripts: non-coding transcript variant (1), intron variant (1).
Genome position (GRCh38, 1-based): chr3:187,236,056, G>A on the plus strand (C>T on the coding strand, the complement: MASP1 is on the minus strand). VCF-style: chr3-187236056-G-A. GRCh37 (hg19) VCF-style: chr3-186953844-G-A.
Other names: c.1303+5425C>T (NM_001879.6).
Identifiers: ClinVar variation 3353875 (VCV003353875.1).